The following is an entry in ClinVar:

ClinVar aggregate classification (germline): Uncertain significance (1 of 4 stars; one submission).

Allele frequency attached by ClinVar (database versions not stated): gnomAD exomes below 0.00001 and 0.00001; gnomAD 0.00001; TOPMed 0.00001; ExAC 0.00002.
gnomAD v4.1: 6 of 1,613,480 alleles (0.00037%); highest among the groups gnomAD compares: South Asian, 0.0044%; no homozygotes.

Submission:

GeneDx
Classification: Uncertain significance. Last evaluated: 2022-01-26. Review status: criteria provided, single submitter. Criteria: GeneDx Variant Classification Process June 2021. Collection method: clinical testing. Allele origin: germline. Affected: yes.
Comment: In silico analysis supports that this missense variant does not alter protein structure/function; Has not been previously published as pathogenic or benign to our knowledge

NM_173560.4(RFX6):c.2515G>A (p.Asp839Asn)

Gene: RFX6 (regulatory factor X6; plus strand). Cytogenetic location: 6q22.1.
Variant type: single nucleotide variant.
Coding change: c.2515G>A on transcript NM_173560.4 (MANE Select); coding-DNA position 2515, G replaced by A.
Protein change: p.Asp839Asn; replaces aspartic acid 839 with asparagine.
Molecular consequence: missense variant.
Genome position (GRCh38, 1-based): chr6:116,928,875, G>A. VCF-style: chr6-116928875-G-A. GRCh37 (hg19) VCF-style: chr6-117250038-G-A.
Other names: short protein forms D839N.
Identifiers: ClinVar variation 1699859 (VCV001699859.2), dbSNP rs763502980, ClinGen allele CA3973567.